The following is an entry in ClinVar:

NM_002474.3(MYH11):c.3807C>T (p.Ser1269=)

Gene: MYH11 (myosin heavy chain 11; minus strand). Cytogenetic location: 16p13.11.
Variant type: single nucleotide variant.
Coding change: c.3807C>T on transcript NM_002474.3 (MANE Select); coding-DNA position 3807, C replaced by T.
Protein change: p.Ser1269=; no amino-acid change (serine 1269 retained).
Molecular consequence: synonymous variant.
Genome position (GRCh38, 1-based): chr16:15,726,899, G>A on the plus strand (C>T on the coding strand, the complement: MYH11 is on the minus strand). VCF-style: chr16-15726899-G-A. GRCh37 (hg19) VCF-style: chr16-15820756-G-A.
Other names: c.3828C>T, p.Ser1276= (NM_001040113.2, NM_001040114.2); c.3807C>T, p.Ser1269= (NM_022844.3); c.3807C>T (NM_002474.2).
Identifiers: ClinVar variation 922363 (VCV000922363.14), dbSNP rs773533472, ClinGen allele CA493765798.

ClinVar aggregate classification (germline): Likely benign. Review status: criteria provided, multiple submitters, no conflicts (2 of 4 stars). 5 submissions from 5 submitters: Likely benign (5). Last evaluated 2025-11-17.

Conditions:
Familial thoracic aortic aneurysm and aortic dissection (TAAD). Also called: Thoracic aortic aneurysms and dissections. Identifiers: Orphanet 91387, MedGen C4707243, MONDO:0019625.
Aortic aneurysm, familial thoracic 4 (AAT4). Also called: AORTIC ANEURYSM/AORTIC DISSECTION AND PATENT DUCTUS ARTERIOSUS. Identifiers: MedGen C1851504, MONDO:0007568, OMIM 132900.

Allele frequency attached by ClinVar (database versions not stated): gnomAD 0.00001.
gnomAD v4.1: 17 of 1,612,298 alleles (0.0011%); highest among the groups gnomAD compares: East Asian, 0.0045%; no homozygotes.

Submissions (5):

Labcorp Genetics (formerly Invitae), Labcorp
Classification: Likely benign for Aortic aneurysm, familial thoracic 4. Last evaluated: 2025-11-17. Review status: criteria provided, single submitter. Criteria: Invitae Variant Classification Sherloc (09022015). Collection method: clinical testing. Allele origin: germline.

All of Us Research Program, National Institutes of Health
Classification: Likely benign for Familial thoracic aortic aneurysm and aortic dissection. Last evaluated: 2023-03-04. Review status: criteria provided, single submitter. Criteria: ACMG Guidelines, 2015. Collection method: clinical testing. Allele origin: germline. Inheritance: Autosomal dominant inheritance. Observed: 1 variant allele, 1 heterozygote.
Comment: This study involves interpretation of variants in research participants for the purpose of population health screening. Participant phenotype was not available at the time of variant classification. Additional details can be found in publication PMID: 35346344, PMCID: PMC8962531

Ambry Genetics
Classification: Likely benign for Familial thoracic aortic aneurysm and aortic dissection. Last evaluated: 2022-11-19. Review status: criteria provided, single submitter. Criteria: Ambry Variant Classification Scheme 2023. Collection method: clinical testing. Allele origin: germline.

Blueprint Genetics
Classification: Likely benign. Last evaluated: 2021-10-13. Review status: criteria provided, single submitter. Criteria: ACMG Guidelines, 2015. Collection method: clinical testing. Allele origin: germline.

Color Diagnostics, LLC DBA Color Health
Classification: Likely benign for Familial thoracic aortic aneurysm and aortic dissection. Last evaluated: 2019-05-16. Review status: criteria provided, single submitter. Criteria: ACMG Guidelines, 2015. Collection method: clinical testing. Allele origin: germline.